The following is an entry in ClinVar:

NM_000075.4(CDK4):c.701C>A (p.Pro234Gln)

Genes: TSPAN31 (tetraspanin 31; plus strand), CDK4 (cyclin dependent kinase 4; minus strand). Cytogenetic location: 12q14.1.
Variant type: single nucleotide variant.
Coding change: c.701C>A on transcript NM_000075.4 (MANE Select); coding-DNA position 701, C replaced by A.
Protein change: p.Pro234Gln; replaces proline 234 with glutamine.
Molecular consequence: missense variant. On other transcripts: 3 prime UTR variant (3).
Genome position (GRCh38, 1-based): chr12:57,749,300, G>T on the plus strand (C>A on the coding strand, the complement: CDK4 is on the minus strand). VCF-style: chr12-57749300-G-T. GRCh37 (hg19) VCF-style: chr12-58143083-G-T.
Other names: c.*2010G>T (NM_001330168.2, NM_001330169.2, NM_005981.5); short protein forms P234Q.
Identifiers: ClinVar variation 2057018 (VCV002057018.4), dbSNP rs771702415, ClinGen allele CA385543663.

ClinVar aggregate classification (germline): Uncertain significance (1 of 4 stars; one submission).

Conditions:
Familial melanoma. Also called: Hereditary melanoma; Hereditary cutaneous melanoma. Identifiers: Orphanet 618, MedGen C1512419, MONDO:0018961.

Submission:

Labcorp Genetics (formerly Invitae), Labcorp
Classification: Uncertain significance for Familial melanoma. Last evaluated: 2023-12-06. Review status: criteria provided, single submitter. Criteria: Invitae Variant Classification Sherloc (09022015). Collection method: clinical testing. Allele origin: germline.
Comment: This sequence change replaces proline, which is neutral and non-polar, with glutamine, which is neutral and polar, at codon 234 of the CDK4 protein (p.Pro234Gln). This variant is not present in population databases (gnomAD no frequency). This variant has not been reported in the literature in individuals affected with CDK4-related conditions. ClinVar contains an entry for this variant (Variation ID: 2057018). Advanced modeling of protein sequence and biophysical properties (such as structural, functional, and spatial information, amino acid conservation, physicochemical variation, residue mobility, and thermodynamic stability) performed at Invitae indicates that this missense variant is not expected to disrupt CDK4 protein function with a negative predictive value of 95%. In summary, the available evidence is currently insufficient to determine the role of this variant in disease. Therefore, it has been classified as a Variant of Uncertain Significance.